The following is an entry in ClinVar:

ClinVar aggregate classification (germline): Uncertain significance. Review status: criteria provided, multiple submitters, no conflicts (2 of 4 stars). 6 submissions from 6 submitters: Uncertain significance (6). Last evaluated 2026-01-07.

Conditions:
BARD1-related disorder. Also called: BARD1-related condition.
Hereditary cancer-predisposing syndrome. Also called: Neoplastic Syndromes, Hereditary; Hereditary Cancer Syndrome; Tumor predisposition; Hereditary neoplastic syndrome. Identifiers: Orphanet 140162, MedGen C0027672, MeSH D009386, MONDO:0015356.
Familial cancer of breast. Also called: BREAST CANCER, FAMILIAL; Hereditary breast cancer; hereditary breast carcinoma. Identifiers: Orphanet 227535, MedGen C0346153, MONDO:0016419, OMIM 114480. Disease mechanism: loss of function.

Allele frequency attached by ClinVar (database versions not stated): TOPMed below 0.00001.
gnomAD v4.1: 3 of 1,613,924 alleles (0.00019%); highest among the groups gnomAD compares: African/African-American, 0.0013%; no homozygotes.

Submissions (6):

Labcorp Genetics (formerly Invitae), Labcorp
Classification: Uncertain significance for Familial cancer of breast. Last evaluated: 2026-01-07. Review status: criteria provided, single submitter. Criteria: Invitae Variant Classification Sherloc (09022015). Collection method: clinical testing. Allele origin: germline.
Comment: This sequence change replaces alanine, which is neutral and non-polar, with valine, which is neutral and non-polar, at codon 468 of the BARD1 protein (p.Ala468Val). This variant is not present in population databases (gnomAD no frequency). This variant has not been reported in the literature in individuals affected with BARD1-related conditions. ClinVar contains an entry for this variant (Variation ID: 479158). An algorithm developed to predict the effect of missense changes on protein structure and function (PolyPhen-2) suggests that this variant is likely to be disruptive. In summary, the available evidence is currently insufficient to determine the role of this variant in disease. Therefore, it has been classified as a Variant of Uncertain Significance.

Ambry Genetics
Classification: Uncertain significance for Hereditary cancer-predisposing syndrome. Last evaluated: 2025-10-16. Review status: criteria provided, single submitter. Criteria: Ambry Variant Classification Scheme 2023. Collection method: clinical testing. Allele origin: germline.
Comment: The p.A468V variant (also known as c.1403C>T), located in coding exon 6 of the BARD1 gene, results from a C to T substitution at nucleotide position 1403. The alanine at codon 468 is replaced by valine, an amino acid with similar properties. This amino acid position is highly conserved in available vertebrate species. In addition, this alteration is predicted to be deleterious by in silico analysis. Since supporting evidence is limited at this time, the clinical significance of this alteration remains unclear.

PreventionGenetics, part of Exact Sciences
Classification: Uncertain significance for BARD1-related condition. Last evaluated: 2025-07-20. Review status: criteria provided, single submitter. Criteria: ACMG Guidelines, 2015. Collection method: clinical testing. Allele origin: germline.
Comment: The BARD1 c.1403C>T variant is predicted to result in the amino acid substitution p.Ala468Val. To our knowledge, this variant has not been reported in the literature or in a large population database (gnomAD), indicating this variant is rare. This variant is classified as uncertain in ClinVar. At this time, the clinical significance of this variant is uncertain due to the absence of conclusive functional and genetic evidence.

Baylor Genetics
Classification: Uncertain significance for Familial cancer of breast. Last evaluated: 2023-11-09. Review status: criteria provided, single submitter. Criteria: ACMG Guidelines, 2015. Collection method: clinical testing. Allele origin: unknown.

Color Diagnostics, LLC DBA Color Health
Classification: Uncertain significance for Hereditary cancer-predisposing syndrome. Last evaluated: 2023-06-30. Review status: criteria provided, single submitter. Criteria: ACMG Guidelines, 2015. Collection method: clinical testing. Allele origin: germline.
Comment: This missense variant replaces alanine with valine at codon 468 of the BARD1 protein. Computational prediction suggests that this variant may have deleterious impact on protein structure and function (internally defined REVEL score threshold >= 0.7, PMID: 27666373). To our knowledge, functional studies have not been reported for this variant. In an international breast cancer case-control meta-analysis, this variant was detected in 1/60466 cases and absent in 53461 controls (PMID: 33471991). This variant has not been identified in the general population by the Genome Aggregation Database (gnomAD). The available evidence is insufficient to determine the role of this variant in disease conclusively. Therefore, this variant is classified as a Variant of Uncertain Significance.

GeneDx
Classification: Uncertain significance. Last evaluated: 2023-04-02. Review status: criteria provided, single submitter. Criteria: GeneDx Variant Classification Process June 2021. Collection method: clinical testing. Allele origin: germline. Affected: yes.
Comment: Not observed at significant frequency in large population cohorts (gnomAD); In silico analysis supports that this missense variant has a deleterious effect on protein structure/function; Observed in an individual with breast cancer (Dorling et al., 2021); This variant is associated with the following publications: (PMID: 18480049, 33471991)

Literature cited by the submitters: PubMed 33471991 (cited by Ambry Genetics and Color Diagnostics, LLC DBA Color Health).

NM_000465.4(BARD1):c.1403C>T (p.Ala468Val)

Gene: BARD1 (BRCA1 associated RING domain 1; minus strand). Cytogenetic location: 2q35.
Variant type: single nucleotide variant.
Coding change: c.1403C>T on transcript NM_000465.4 (MANE Select); coding-DNA position 1403, C replaced by T.
Protein change: p.Ala468Val; replaces alanine 468 with valine.
Molecular consequence: missense variant. On other transcripts: non-coding transcript variant (3), intron variant (3).
Genome position (GRCh38, 1-based): chr2:214,767,647, G>A on the plus strand (C>T on the coding strand, the complement: BARD1 is on the minus strand). VCF-style: chr2-214767647-G-A. GRCh37 (hg19) VCF-style: chr2-215632371-G-A.
Other names: c.1346C>T, p.Ala449Val (NM_001282543.2); c.159-15092C>T (NM_001282548.2); c.216-15092C>T (NM_001282545.2); c.364+24650C>T (NM_001282549.2); short protein forms A468V, A449V.
Identifiers: ClinVar variation 479158 (VCV000479158.23), dbSNP rs886055599, ClinGen allele CA350448845.
Genomic context (GRCh38, chr2:214,767,647, plus strand): 5'-TTCACCAATGCCTTATGCTGGAGCAATAATTCCACTACCTTCAGGTGCCCATGATTGCAA[G>A]CTTCATGCTAATTAAATTTTTTGAAAAAGAAGTGAAAGAAGTGATAAGAAAGAGCAATGG-3'
Protein context (NP_000456.2, residues 458-478): DHAGWTPLHE[Ala468Val]CNHGHLKVVE